The following is an entry in ClinVar:

ClinVar aggregate classification (germline): Conflicting classifications of pathogenicity. Review status: criteria provided, conflicting classifications (1 of 4 stars). 4 submissions from 4 submitters: Uncertain significance (2); Likely benign (2). Last evaluated 2025-08-25.

Conditions:
Hereditary nonpolyposis colorectal neoplasms. Identifiers: MedGen C0009405, MeSH D003123.
Hereditary cancer-predisposing syndrome. Also called: Hereditary Cancer Syndrome; Hereditary neoplastic syndrome; Neoplastic Syndromes, Hereditary; Tumor predisposition. Identifiers: Orphanet 140162, MedGen C0027672, MeSH D009386, MONDO:0015356.

Allele frequency attached by ClinVar (database versions not stated): gnomAD below 0.00001 and 0.00001; gnomAD exomes 0.00003 and 0.00006; ExAC 0.00008.
gnomAD v4.1: 46 of 1,611,994 alleles (0.0029%); highest among the groups gnomAD compares: South Asian, 0.047%; no homozygotes.

Submissions (4):

Labcorp Genetics (formerly Invitae), Labcorp
Classification: Likely benign for Hereditary nonpolyposis colorectal neoplasms. Last evaluated: 2025-08-25. Review status: criteria provided, single submitter. Criteria: Invitae Variant Classification Sherloc (09022015). Collection method: clinical testing. Allele origin: germline.

Color Diagnostics, LLC DBA Color Health
Classification: Likely benign for Hereditary cancer-predisposing syndrome. Last evaluated: 2025-08-12. Review status: criteria provided, single submitter. Criteria: ACMG Guidelines, 2015. Collection method: clinical testing. Allele origin: germline.

GeneDx
Classification: Uncertain significance. Last evaluated: 2024-12-23. Review status: criteria provided, single submitter. Criteria: GeneDx Variant Classification Process June 2021. Collection method: clinical testing. Allele origin: germline. Affected: yes.
Comment: In silico analysis supports that this missense variant has a deleterious effect on protein structure/function; Has not been previously published as pathogenic or benign to our knowledge; This variant is associated with the following publications: (PMID: 11574484)

Ambry Genetics
Classification: Uncertain significance for Hereditary cancer-predisposing syndrome. Last evaluated: 2024-02-01. Review status: criteria provided, single submitter. Criteria: Ambry Variant Classification Scheme 2023. Collection method: clinical testing. Allele origin: germline.
Comment: The p.Q346R variant (also known as c.1037A>G), located in coding exon 10 of the PMS2 gene, results from an A to G substitution at nucleotide position 1037. The glutamine at codon 346 is replaced by arginine, an amino acid with highly similar properties. This amino acid position is highly conserved in available vertebrate species. In addition, this alteration is predicted to be deleterious by in silico analysis. Based on the available evidence, the clinical significance of this alteration remains unclear.

NM_000535.7(PMS2):c.1037A>G (p.Gln346Arg)

Gene: PMS2 (PMS1 homolog 2, mismatch repair system component; minus strand). Cytogenetic location: 7p22.1.
Variant type: single nucleotide variant.
Coding change: c.1037A>G on transcript NM_000535.7 (MANE Select); coding-DNA position 1037, A replaced by G.
Protein change: p.Gln346Arg; replaces glutamine 346 with arginine.
Molecular consequence: missense variant. On other transcripts: non-coding transcript variant (1), intron variant (2).
Genome position (GRCh38, 1-based): chr7:5,989,907, T>C on the plus strand (A>G on the coding strand, the complement: PMS2 is on the minus strand). VCF-style: chr7-5989907-T-C. GRCh37 (hg19) VCF-style: chr7-6029538-T-C.
Other names: c.632A>G, p.Gln211Arg (NM_001322003.2, NM_001322004.2, NM_001322005.2 and 1 more transcripts); c.719A>G, p.Gln240Arg (NM_001322007.2, NM_001322008.2); c.104A>G, p.Gln35Arg (NM_001322011.2, NM_001322012.2); c.464A>G, p.Gln155Arg (NM_001322013.2); c.1037A>G, p.Gln346Arg (NM_001322014.2); c.728A>G, p.Gln243Arg (NM_001322015.2); c.583+2066A>G (NM_001322010.2); c.988+2066A>G (NM_001322006.2); short protein forms Q346R, Q240R, Q35R, Q211R, Q243R, Q155R.
Identifiers: ClinVar variation 455635 (VCV000455635.24), dbSNP rs752268571, ClinGen allele CA041615.